The following is an entry in ClinVar:

NM_017780.4(CHD7):c.5357G>A (p.Trp1786Ter)

Gene: CHD7 (chromodomain helicase DNA binding protein 7; plus strand). Cytogenetic location: 8q12.2.
Variant type: single nucleotide variant.
Coding change: c.5357G>A on transcript NM_017780.4 (MANE Select); coding-DNA position 5357, G replaced by A.
Protein change: p.Trp1786Ter; replaces tryptophan 1786 with a stop codon.
Molecular consequence: nonsense. On other transcripts: intron variant (1).
Genome position (GRCh38, 1-based): chr8:60,849,107, G>A. VCF-style: chr8-60849107-G-A. GRCh37 (hg19) VCF-style: chr8-61761666-G-A.
Other names: c.1717-13122G>A (NM_001316690.1); c.5357G>A (NM_017780.2); short protein forms W1786*.
Identifiers: ClinVar variation 951305 (VCV000951305.10), dbSNP rs1805338299, ClinGen allele CA371321184.
Genomic context (GRCh38, chr8:60,849,107, plus strand): 5'-TCAGTGAAGCCGATGTGTGGATCCCTGAACCTTTCCATGCTGAAGTTCCTGCAGATTGGT[G>A]GGATAAGGAAGCAGACAAATCCCTCTTAATTGGAGTGTTCAAACATGGTAAGTGACGTTT-3'

ClinVar aggregate classification (germline): Pathogenic. Review status: criteria provided, multiple submitters, no conflicts (2 of 4 stars). 3 submissions from 3 submitters: Pathogenic (3). Last evaluated 2022-10-06.

Conditions:
Inborn genetic diseases. Identifiers: MedGen C0950123, MeSH D030342.
CHARGE syndrome (CHARGE). Also called: Hittner Hirsch Kreh syndrome; Coloboma, heart anomaly, choanal atresia, retardation, genital and ear anomalies; CHARGE association; Hall-Hittner syndrome; CHARGE ASSOCIATION--COLOBOMA, HEART ANOMALY, CHOANAL ATRESIA, RETARDATION, GENITAL AND EAR ANOMALIES. Identifiers: Orphanet 138, MedGen C0265354, MONDO:0008965.

Submissions (3):

GeneDx
Classification: Pathogenic. Last evaluated: 2022-10-06. Review status: criteria provided, single submitter. Criteria: GeneDx Variant Classification Process June 2021. Collection method: clinical testing. Allele origin: germline. Affected: yes.
Comment: Nonsense variant predicted to result in protein truncation or nonsense mediated decay in a gene for which loss of function is a known mechanism of disease; Not observed at significant frequency in large population cohorts (gnomAD); Has not been previously published as pathogenic or benign to our knowledge

Labcorp Genetics (formerly Invitae), Labcorp
Classification: Pathogenic for CHARGE syndrome. Last evaluated: 2019-05-04. Review status: criteria provided, single submitter. Criteria: Invitae Variant Classification Sherloc (09022015). Collection method: clinical testing. Allele origin: germline.
Comment: This sequence change creates a premature translational stop signal (p.Trp1786*) in the CHD7 gene. It is expected to result in an absent or disrupted protein product. This variant is not present in population databases (ExAC no frequency). This variant has not been reported in the literature in individuals with CHD7-related conditions. Loss-of-function variants in CHD7 are known to be pathogenic (PMID: 22461308, 25077900). For these reasons, this variant has been classified as Pathogenic.

Ambry Genetics
Classification: Pathogenic for Inborn genetic diseases. Last evaluated: 2014-07-15. Review status: criteria provided, single submitter. Criteria: Ambry Variant Classification Scheme 2023. Collection method: clinical testing. Allele origin: germline.
Comment: The p.W1786* pathogenic mutation (also known as c.5357G>A) located in coding exon 24 of the CHD7 gene, results from a G to A substitution at nucleotide position 5357. This changes the amino acid from a tryptophan to a stop codon within coding exon 24. Since premature stop codons are typically deleterious in nature, this alteration is interpreted as a disease-causing mutation (ACMG Recommendations for Standards for Interpretation and Reporting of Sequence Variations. Revision 2007. Genet Med. 2008;10:294).

Literature cited by the submitters: PubMed 22461308 (cited by Labcorp Genetics (formerly Invitae), Labcorp); PubMed 25077900 (cited by Labcorp Genetics (formerly Invitae), Labcorp).